The following is an entry in ClinVar:

NM_001457.4(FLNB):c.1349G>T (p.Cys450Phe)

Gene: FLNB (filamin B; plus strand). Cytogenetic location: 3p14.3.
Variant type: single nucleotide variant.
Coding change: c.1349G>T on transcript NM_001457.4 (MANE Select); coding-DNA position 1349, G replaced by T.
Protein change: p.Cys450Phe; replaces cysteine 450 with phenylalanine.
Molecular consequence: missense variant.
Genome position (GRCh38, 1-based): chr3:58,102,206, G>T. VCF-style: chr3-58102206-G-T. GRCh37 (hg19) VCF-style: chr3-58087933-G-T.
Other names: c.1349G>T, p.Cys450Phe (NM_001164317.2, NM_001164318.2, NM_001164319.2); short protein forms C450F.
Identifiers: ClinVar variation 4692745 (VCV004692745.1).
Genomic context (GRCh38, chr3:58,102,206, plus strand): 5'-TTCACGACTCTGACTAAAGAATGAAAGATTGAATTGATGTCAAAACTGTGCTTGCAGCCT[G>T]CAATCCAAATGCCTGCCGGGCCAGTGGCCGAGGCCTACAACCCAAAGGCGTCCGTATCCG-3'
Protein context (NP_001448.2, residues 440-460): SPFVVQVGEA[Cys450Phe]NPNACRASGR

ClinVar aggregate classification (germline): Uncertain significance (1 of 4 stars; one submission).

Submission:

Labcorp Genetics (formerly Invitae), Labcorp
Classification: Uncertain significance. Last evaluated: 2026-01-07. Review status: criteria provided, single submitter. Criteria: Invitae Variant Classification Sherloc (09022015). Collection method: clinical testing. Allele origin: germline.
Comment: This sequence change replaces cysteine, which is neutral and slightly polar, with phenylalanine, which is neutral and non-polar, at codon 450 of the FLNB protein (p.Cys450Phe). This variant is not present in population databases (gnomAD no frequency). This variant has not been reported in the literature in individuals affected with FLNB-related conditions. Invitae Evidence Modeling of protein sequence and biophysical properties (such as structural, functional, and spatial information, amino acid conservation, physicochemical variation, residue mobility, and thermodynamic stability) indicates that this missense variant is not expected to disrupt FLNB protein function with a negative predictive value of 95%. In summary, the available evidence is currently insufficient to determine the role of this variant in disease. Therefore, it has been classified as a Variant of Uncertain Significance.